The following is an entry in ClinVar:

ClinVar aggregate classification (germline): Uncertain significance (1 of 4 stars; one submission).

Conditions:
Aortic aneurysm, familial thoracic 6 (AAT6). Also called: FAMILIAL THORACIC AORTIC ANEURYSM WITH LIVEDO RETICULARIS AND IRIS FLOCCULI. Identifiers: MedGen C2673186, MONDO:0012730, OMIM 611788.

Submission:

Labcorp Genetics (formerly Invitae), Labcorp
Classification: Uncertain significance for Aortic aneurysm, familial thoracic 6. Last evaluated: 2024-06-01. Review status: criteria provided, single submitter. Criteria: Invitae Variant Classification Sherloc (09022015). Collection method: clinical testing. Allele origin: germline.
Comment: This sequence change replaces asparagine, which is neutral and polar, with isoleucine, which is neutral and non-polar, at codon 298 of the ACTA2 protein (p.Asn298Ile). This variant is not present in population databases (gnomAD no frequency). This missense change has been observed in individual(s) with clinical features of ACTA2-related conditions (Invitae). Advanced modeling of protein sequence and biophysical properties (such as structural, functional, and spatial information, amino acid conservation, physicochemical variation, residue mobility, and thermodynamic stability) performed at Invitae indicates that this missense variant is expected to disrupt ACTA2 protein function with a positive predictive value of 80%. In summary, the available evidence is currently insufficient to determine the role of this variant in disease. Therefore, it has been classified as a Variant of Uncertain Significance.

NM_001613.4(ACTA2):c.893A>T (p.Asn298Ile)

Genes: ACTA2-AS1 (ACTA2 antisense RNA 1; plus strand), ACTA2 (actin alpha 2, smooth muscle; minus strand). Cytogenetic location: 10q23.31.
Variant type: single nucleotide variant.
Coding change: c.893A>T on transcript NM_001613.4 (MANE Select); coding-DNA position 893, A replaced by T.
Protein change: p.Asn298Ile; replaces asparagine 298 with isoleucine.
Molecular consequence: missense variant.
Genome position (GRCh38, 1-based): chr10:88,938,158, T>A on the plus strand (A>T on the coding strand, the complement: ACTA2 is on the minus strand). VCF-style: chr10-88938158-T-A. GRCh37 (hg19) VCF-style: chr10-90697915-T-A.
Other names: c.893A>T, p.Asn298Ile (NM_001141945.3, NM_001320855.2, NM_001406462.1 and 2 more transcripts); c.782A>T, p.Asn261Ile (NM_001406466.1); c.764A>T, p.Asn255Ile (NM_001406467.1, NM_001406468.1, NM_001406469.1); c.701A>T, p.Asn234Ile (NM_001406471.1); short protein forms N234I, N261I, N298I, N255I.
Identifiers: ClinVar variation 3647654 (VCV003647654.2).
Genomic context (GRCh38, chr10:88,938,158, plus strand): 5'-TCCTTCTGCATTCGGTCGGCAATGCCAGGGTACATAGTGGTGCCCCCTGATAGGACATTG[T>A]TAGCATAGAGGTCCTTCCTGATGTCAATATCACACTTCATGATGCTGTTGTAGGTGGTTT-3'
Protein context (NP_001604.1, residues 288-308): DIDIRKDLYA[Asn298Ile]NVLSGGTTMY